The following is an entry in ClinVar:

NM_005726.6(TSFM):c.795_798dup (p.Ser267fs)

Gene: TSFM (Ts translation elongation factor, mitochondrial; plus strand). Cytogenetic location: 12q14.1.
Variant type: Duplication.
Coding change: c.795_798dup on transcript NM_005726.6 (MANE Select); coding-DNA positions 795 to 798, 4 bases duplicated (CCTC; older notation c.795_798dupCCTC).
Protein change: p.Ser267fs; shifts the reading frame from serine 267.
Molecular consequence: frameshift variant. On other transcripts: 3 prime UTR variant (1), intron variant (1).
Genome position (GRCh38, 1-based): chr12:57,796,400-57,796,403, CCTC duplicated; duplicating any 4 consecutive bases within chr12:57,796,399-57,796,403 gives the same sequence; the c. name uses the placement nearest the transcript's 3' end. VCF-style (leftmost placement, unchanged base first): chr12-57796398-C-CCCCT. GRCh37 (hg19) VCF-style: chr12-58190181-C-CCCCT.
Other names: c.*203_*206dup (NM_001172695.2); c.858_861dup, p.Ser288fs (NM_001172696.2); c.571+3327_571+3330dup (NM_001172697.2); short protein forms S267fs, S288fs.
Identifiers: ClinVar variation 4747623 (VCV004747623.1).

ClinVar aggregate classification (germline): Pathogenic (1 of 4 stars; one submission).

Submission:

Labcorp Genetics (formerly Invitae), Labcorp
Classification: Pathogenic. Last evaluated: 2025-05-18. Review status: criteria provided, single submitter. Criteria: Invitae Variant Classification Sherloc (09022015). Collection method: clinical testing. Allele origin: germline.
Comment: This sequence change creates a premature translational stop signal (p.Ser288Profs*9) in the TSFM gene. While this is not anticipated to result in nonsense mediated decay, it is expected to disrupt the last 59 amino acid(s) of the TSFM protein. This variant is present in population databases (no rsID available, gnomAD 0.01%). This variant has not been reported in the literature in individuals affected with TSFM-related conditions. This variant disrupts a region of the TSFM protein in which other variant(s) (p.Arg333Trp) have been determined to be pathogenic (PMID: 17033963, 21741925, 22277967). This suggests that this is a clinically significant region of the protein, and that variants that disrupt it are likely to be disease-causing. For these reasons, this variant has been classified as Pathogenic.

Literature cited by the submitters: PubMed 17033963; PubMed 21741925; PubMed 22277967.